The following is an entry in ClinVar:

NM_000702.4(ATP1A2):c.1128G>A (p.Thr376=)

Gene: ATP1A2 (ATPase Na+/K+ transporting subunit alpha 2; plus strand). Cytogenetic location: 1q23.2.
Variant type: single nucleotide variant.
Coding change: c.1128G>A on transcript NM_000702.4 (MANE Select); coding-DNA position 1128, G replaced by A.
Protein change: p.Thr376=; no amino-acid change (threonine 376 retained).
Molecular consequence: synonymous variant.
Genome position (GRCh38, 1-based): chr1:160,128,762, G>A. VCF-style: chr1-160128762-G-A. GRCh37 (hg19) VCF-style: chr1-160098552-G-A.
Other names: p.T376T:ACG>ACA.
Identifiers: ClinVar variation 136448 (VCV000136448.13), dbSNP rs374374188, ClinGen allele CA289577.
Genomic context (GRCh38, chr1:160,128,762, plus strand): 5'-GAAGAACCTGGAGGCGGTGGAGACGCTGGGCTCCACGTCCACCATCTGCTCGGACAAGAC[G>A]GGCACCCTCACCCAGAACCGCATGACCGTCGCCCACATGTGGTTCGACAACCAAATCCAT-3'
Protein context (NP_000693.1, residues 366-386): GSTSTICSDK[Thr376=]GTLTQNRMTV

ClinVar aggregate classification (germline): Benign/Likely benign. Review status: criteria provided, multiple submitters, no conflicts (2 of 4 stars). 6 submissions from 3 submitters: Benign (5); Likely benign (1). Last evaluated 2026-01-17.

Conditions:
Developmental and epileptic encephalopathy 98. Identifiers: MedGen C5562017, MONDO:0030472, OMIM 619605.
Fetal akinesia, respiratory insufficiency, microcephaly, polymicrogyria, and dysmorphic facies. Identifiers: MedGen C5562015, MONDO:0859204, OMIM 619602.
Familial hemiplegic migraine. Identifiers: MedGen C0338484, MONDO:0000700.
Alternating hemiplegia of childhood 1 (AHC1). Identifiers: Orphanet 2131, MedGen C3549447, MONDO:0007087, OMIM 104290.
Migraine, familial hemiplegic, 2. Identifiers: Orphanet 569, MedGen C1865322, MONDO:0011232, OMIM 602481.

Allele frequency attached by ClinVar (database versions not stated): gnomAD 0.00003; gnomAD exomes 0.00003 and 0.00004; TOPMed 0.00004; 1000 Genomes Project 0.00020; 1000 Genomes Project 30x 0.00031; ExAC 0.00005; ESP Exome Variant Server 0.00015.
gnomAD v4.1: 61 of 1,614,114 alleles (0.0038%); highest among the groups gnomAD compares: East Asian, 0.0089%; no homozygotes.

Submissions (6):

Labcorp Genetics (formerly Invitae), Labcorp
Classification: Likely benign for Familial hemiplegic migraine. Last evaluated: 2026-01-17. Review status: criteria provided, single submitter. Criteria: Invitae Variant Classification Sherloc (09022015). Collection method: clinical testing. Allele origin: germline.

Genome-Nilou Lab
Classification: Benign for Alternating hemiplegia of childhood 1. Last evaluated: 2021-12-05. Review status: criteria provided, single submitter. Criteria: ACMG Guidelines, 2015. Collection method: clinical testing. Allele origin: germline. Affected: no.

Genome-Nilou Lab
Classification: Benign for Developmental and epileptic encephalopathy 98. Last evaluated: 2021-12-05. Review status: criteria provided, single submitter. Criteria: ACMG Guidelines, 2015. Collection method: clinical testing. Allele origin: germline. Affected: no.

Genome-Nilou Lab
Classification: Benign for Fetal akinesia, respiratory insufficiency, microcephaly, polymicrogyria, and dysmorphic facies. Last evaluated: 2021-12-05. Review status: criteria provided, single submitter. Criteria: ACMG Guidelines, 2015. Collection method: clinical testing. Allele origin: germline. Affected: no.

Genome-Nilou Lab
Classification: Benign for Migraine, familial hemiplegic, 2. Last evaluated: 2021-12-05. Review status: criteria provided, single submitter. Criteria: ACMG Guidelines, 2015. Collection method: clinical testing. Allele origin: germline. Affected: no.

GeneDx
Classification: Benign. Last evaluated: 2014-05-06. Review status: criteria provided, single submitter. Criteria: GeneDx Variant Classification (06012015). Collection method: clinical testing. Allele origin: germline. Affected: yes.
Comment: This variant is considered likely benign or benign based on one or more of the following criteria: it is a conservative change, it occurs at a poorly conserved position in the protein, it is predicted to be benign by multiple in silico algorithms, and/or has population frequency not consistent with disease.